The following is an entry in ClinVar:

NM_001377540.1(SLMAP):c.436_441del (p.Leu146_Pro147del)

Gene: SLMAP (sarcolemma associated protein; plus strand). Cytogenetic location: 3p14.3.
Variant type: Deletion.
Coding change: c.436_441del on transcript NM_001377540.1 (MANE Select); coding-DNA positions 436 to 441, 6 bases deleted (TTACCA; older notation c.436_441delTTACCA).
Protein change: p.Leu146_Pro147del.
Molecular consequence: inframe deletion. On other transcripts: non-coding transcript variant (1).
Genome position (GRCh38, 1-based): chr3:57,847,213-57,847,218, TTACCA deleted; deleting any 6 consecutive bases within chr3:57,847,209-57,847,218 gives the same sequence; the c. name uses the placement nearest the transcript's 3' end. VCF-style (leftmost placement, unchanged base first): chr3-57847208-CACCATT-C. GRCh37 (hg19) VCF-style: chr3-57832935-CACCATT-C.
Other names: c.436_441del, p.Leu146_Pro147del (NM_001304420.3, NM_001304421.2, NM_001377538.1 and 17 more transcripts).
Identifiers: ClinVar variation 2162779 (VCV002162779.7), dbSNP rs2094298840, ClinGen allele CA1367382678.

ClinVar aggregate classification (germline): Uncertain significance. Review status: criteria provided, multiple submitters, no conflicts (2 of 4 stars). 2 submissions from 2 submitters: Uncertain significance (2). Last evaluated 2024-01-08.

Conditions:
Brugada syndrome. Also called: Sudden Unexplained Death Syndrome; Sudden Unexplained Nocturnal Death Syndrome (SUNDS); Sudden unexplained nocturnal death syndrome; Sudden unexpected nocturnal death syndrome. Identifiers: Orphanet 130, MedGen C1142166, MONDO:0015263.
Long QT syndrome (LQTS). Identifiers: MedGen C0023976, MeSH D008133, MONDO:0002442. Disease mechanism: loss of function. Inheritance: Various modes of inheritance.

Submissions (2):

Dept of Medical Biology, Uskudar University
Classification: Uncertain significance for Long QT syndrome. Last evaluated: 2024-01-08. Review status: criteria provided, single submitter. Criteria: Dept of Medical Biology Variant Classification. Collection method: research. Allele origin: unknown. Affected: yes. Observed: 1 variant allele.
Comment: Criteria: PM2, PM4

Labcorp Genetics (formerly Invitae), Labcorp
Classification: Uncertain significance for Brugada syndrome. Last evaluated: 2023-12-04. Review status: criteria provided, single submitter. Criteria: Invitae Variant Classification Sherloc (09022015). Collection method: clinical testing. Allele origin: germline.
Comment: This variant, c.436_441del, results in the deletion of 2 amino acid(s) of the SLMAP protein (p.Leu146_Pro147del), but otherwise preserves the integrity of the reading frame. This variant is not present in population databases (gnomAD no frequency). This variant has not been reported in the literature in individuals affected with SLMAP-related conditions. ClinVar contains an entry for this variant (Variation ID: 2162779). Experimental studies and prediction algorithms are not available or were not evaluated, and the functional significance of this variant is currently unknown. In summary, the available evidence is currently insufficient to determine the role of this variant in disease. Therefore, it has been classified as a Variant of Uncertain Significance.